The following is an entry in ClinVar:

NM_001165963.4(SCN1A):c.5054C>T (p.Ala1685Val)

Genes: SCN1A (sodium voltage-gated channel alpha subunit 1; minus strand), LOC102724058 (uncharacterized LOC102724058; plus strand). Cytogenetic location: 2q24.3.
Variant type: single nucleotide variant.
Coding change: c.5054C>T on transcript NM_001165963.4 (MANE Select); coding-DNA position 5054, C replaced by T.
Protein change: p.Ala1685Val; replaces alanine 1685 with valine.
Molecular consequence: missense variant. On other transcripts: non-coding transcript variant (1).
Genome position (GRCh38, 1-based): chr2:165,992,221, G>A on the plus strand (C>T on the coding strand, the complement: SCN1A is on the minus strand). VCF-style: chr2-165992221-G-A. GRCh37 (hg19) VCF-style: chr2-166848731-G-A.
Other names: c.4970C>T, p.Ala1657Val (NM_001165964.3, NM_001353957.2, NM_001353958.2); c.5054C>T, p.Ala1685Val (NM_001202435.3, NM_001353948.2); c.5021C>T, p.Ala1674Val (NM_001353949.2, NM_001353950.2, NM_001353951.2 and 2 more transcripts); c.5018C>T, p.Ala1673Val (NM_001353954.2, NM_001353955.2); c.4967C>T, p.Ala1656Val (NM_001353960.2); c.2612C>T, p.Ala871Val (NM_001353961.2); short protein forms A1674V, A1685V, A1657V, A1656V, A1673V, A871V.
Identifiers: ClinVar variation 68648 (VCV000068648.10), dbSNP rs121918744, ClinGen allele CA266120.
Genomic context (GRCh38, chr2:165,992,221, plus strand): 5'-AACATGTCATCGATCCCAACTTCCCTCTTAACATAGGCAAAGTTGGACATCCCAAAGATG[G>A]CGTAGATGAACATGACTAGGAAGAGTAGGAGGCCGATGTTAAACAACGCAGGAAGGGACA-3'
Protein context (NP_001159435.1, residues 1675-1695): LLLFLVMFIY[Ala1685Val]IFGMSNFAYV

ClinVar aggregate classification (germline): Pathogenic. Review status: criteria provided, multiple submitters, no conflicts (2 of 4 stars). 3 submissions from 3 submitters: Pathogenic (2). 1 of the submissions does not count toward it. Last evaluated 2025-06-13.

Conditions:
Early-infantile DEE. Also called: Early infantile epileptic encephalopathy; Early infantile epileptic encephalopathy with suppression bursts; Ohtahara syndrome. Identifiers: Orphanet 1934, MedGen C0393706, MONDO:0800491.
Generalized epilepsy with febrile seizures plus, type 1 (GEFSP1). Also called: GEFS+, TYPE 1. Identifiers: Orphanet 36387, MedGen C1858672, MONDO:0011416, OMIM 604233.

Submissions (4):

GeneDx
Classification: Pathogenic. Last evaluated: 2025-06-13. Review status: criteria provided, single submitter. Criteria: GeneDx Variant Classification Process June 2021. Collection method: clinical testing. Allele origin: germline. Affected: yes.
Comment: Published functional studies demonstrate a damaging effect as A1685V is suggested to result in a complete loss of function through reduction of sodium current (PMID: 22525008, 14672992); Not observed at significant frequency in large population cohorts (gnomAD); In silico analysis supports that this missense variant has a deleterious effect on protein structure/function; This substitution is predicted to be within the transmembrane segment S5 of the fourth homologous domain; This variant is associated with the following publications: (PMID: 14672992, 28150151, 11524484, 11823106, 22525008, 28717674, 16884893)

Labcorp Genetics (formerly Invitae), Labcorp
Classification: Pathogenic for Early-infantile DEE. Last evaluated: 2021-03-27. Review status: criteria provided, single submitter. Criteria: Invitae Variant Classification Sherloc (09022015). Collection method: clinical testing. Allele origin: germline.
Comment: This variant is not present in population databases (ExAC no frequency). For these reasons, this variant has been classified as Pathogenic. This variant disrupts the p.Ala1685 amino acid residue in SCN1A. Other variant(s) that disrupt this residue have been determined to be pathogenic (PMID: 22525008, 12566275). This suggests that this residue is clinically significant, and that variants that disrupt this residue are likely to be disease-causing. Advanced modeling of protein sequence and biophysical properties (such as structural, functional, and spatial information, amino acid conservation, physicochemical variation, residue mobility, and thermodynamic stability) performed at Invitae indicates that this missense variant is expected to disrupt SCN1A protein function. Experimental studies have shown that this variant affects SCN1A protein function (PMID: 14672992, 22525008). This variant has been observed in individual(s) with SCN1A-related conditions (PMID: 11823106). It has also been observed to segregate with disease in related individuals. ClinVar contains an entry for this variant (Variation ID: 68648). This variant is also known as c.5021C>T (Ala1674Val). This sequence change replaces alanine with valine at codon 1685 of the SCN1A protein (p.Ala1685Val). The alanine residue is highly conserved and there is a small physicochemical difference between alanine and valine.

Channelopathy-Associated Epilepsy Research Center
No classification provided (evidence only). Condition: Severe myoclonic epilepsy in infancy. Review status: no classification provided. Collection method: literature only. Allele origin: not applicable. Functional consequence: Absence of peak current, Overall loss-of-function. Not counted in ClinVar's aggregate classification.
ClinVar note: "not provided" was previously submitted as the classification for the variant. However, the classification appeared to be based only on an observation of functional data so it was converted to no classification on 2025-07-30.

UniProtKB/Swiss-Prot
No classification provided. Condition: Generalized epilepsy with febrile seizures plus, type 1. Review status: no classification provided. Collection method: not provided. Allele origin: not provided. Not counted in ClinVar's aggregate classification.

Literature cited by the submitters: PubMed 22525008 (cited by Labcorp Genetics (formerly Invitae), Labcorp); PubMed 12566275 (cited by Labcorp Genetics (formerly Invitae), Labcorp); PubMed 14672992 (cited by Labcorp Genetics (formerly Invitae), Labcorp and Channelopathy-Associated Epilepsy Research Center); PubMed 11823106 (cited by Labcorp Genetics (formerly Invitae), Labcorp).